The following is an entry in ClinVar:

NM_006017.3(PROM1):c.1813C>G (p.Leu605Val)

Gene: PROM1 (prominin 1; minus strand). Cytogenetic location: 4p15.32.
Variant type: single nucleotide variant.
Coding change: c.1813C>G on transcript NM_006017.3 (MANE Select); coding-DNA position 1813, C replaced by G.
Protein change: p.Leu605Val; replaces leucine 605 with valine.
Molecular consequence: missense variant.
Genome position (GRCh38, 1-based): chr4:15,992,346, G>C on the plus strand (C>G on the coding strand, the complement: PROM1 is on the minus strand). VCF-style: chr4-15992346-G-C. GRCh37 (hg19) VCF-style: chr4-15993969-G-C.
Other names: c.1786C>G, p.Leu596Val (NM_001145847.2, NM_001145848.2, NM_001145851.2 and 4 more transcripts); c.1813C>G, p.Leu605Val (NM_001145849.2, NM_001145850.2); c.1813C>G (NM_006017.2); short protein forms L605V, L596V.
Identifiers: ClinVar variation 1913169 (VCV001913169.7), dbSNP rs2475282836, ClinGen allele CA356430967.
Genomic context (GRCh38, chr4:15,992,346, plus strand): 5'-CACAAGCAGCAAAATCCTGAAGGTTTTTTCTTCCTGCTGCACCCAACAGAAAGATATTAA[G>C]ATTTACCTTCAGACTTTCCAATTCACTGCTTATGCTTCCAGTATGCTGCGAAAAAAGGAA-3'
Protein context (NP_006008.1, residues 595-615): SSELESLKVN[Leu605Val]NIFLLGAAGR

ClinVar aggregate classification (germline): Uncertain significance. Review status: criteria provided, multiple submitters, no conflicts (2 of 4 stars). 2 submissions from 2 submitters: Uncertain significance (2). Last evaluated 2024-07-12.

Conditions:
Inborn genetic diseases. Identifiers: MedGen C0950123, MeSH D030342.

Allele frequency attached by ClinVar (database versions not stated): gnomAD exomes below 0.00001.
gnomAD v4.1: 2 of 1,613,906 alleles (0.00012%); highest among the groups gnomAD compares: Admixed American, 0.0033%; no homozygotes.

Submissions (2):

Labcorp Genetics (formerly Invitae), Labcorp
Classification: Uncertain significance. Last evaluated: 2024-07-12. Review status: criteria provided, single submitter. Criteria: Invitae Variant Classification Sherloc (09022015). Collection method: clinical testing. Allele origin: germline.
Comment: This sequence change replaces leucine, which is neutral and non-polar, with valine, which is neutral and non-polar, at codon 605 of the PROM1 protein (p.Leu605Val). This variant is not present in population databases (gnomAD no frequency). This variant has not been reported in the literature in individuals affected with PROM1-related conditions. ClinVar contains an entry for this variant (Variation ID: 1913169). Advanced modeling of protein sequence and biophysical properties (such as structural, functional, and spatial information, amino acid conservation, physicochemical variation, residue mobility, and thermodynamic stability) performed at Invitae indicates that this missense variant is not expected to disrupt PROM1 protein function with a negative predictive value of 80%. In summary, the available evidence is currently insufficient to determine the role of this variant in disease. Therefore, it has been classified as a Variant of Uncertain Significance.

Ambry Genetics
Classification: Uncertain significance for Inborn genetic diseases. Last evaluated: 2023-01-24. Review status: criteria provided, single submitter. Criteria: Ambry Variant Classification Scheme 2023. Collection method: clinical testing. Allele origin: germline.